The following is an entry in ClinVar:

ClinVar aggregate classification (germline): Uncertain significance (1 of 4 stars; one submission).

Submission:

GeneDx
Classification: Uncertain significance. Last evaluated: 2023-04-30. Review status: criteria provided, single submitter. Criteria: GeneDx Variant Classification Process June 2021. Collection method: clinical testing. Allele origin: germline. Affected: yes.
Comment: Not observed at significant frequency in large population cohorts (gnomAD); In silico analysis supports that this missense variant has a deleterious effect on protein structure/function; Has not been previously published as pathogenic or benign to our knowledge

NM_001134673.4(NFIA):c.776C>T (p.Pro259Leu)

Gene: NFIA (nuclear factor I A; plus strand). Cytogenetic location: 1p31.3.
Variant type: single nucleotide variant.
Coding change: c.776C>T on transcript NM_001134673.4 (MANE Select); coding-DNA position 776, C replaced by T.
Protein change: p.Pro259Leu; replaces proline 259 with leucine.
Molecular consequence: missense variant.
Genome position (GRCh38, 1-based): chr1:61,352,525, C>T. VCF-style: chr1-61352525-C-T. GRCh37 (hg19) VCF-style: chr1-61818197-C-T.
Other names: c.752C>T, p.Pro251Leu (NM_001145511.2); c.911C>T, p.Pro304Leu (NM_001145512.2); c.776C>T, p.Pro259Leu (NM_005595.5); short protein forms P251L, P259L, P304L.
Identifiers: ClinVar variation 2662074 (VCV002662074.1), dbSNP rs2525109580, ClinGen allele CA340587896.
Genomic context (GRCh38, chr1:61,352,525, plus strand): 5'-GAACTGGCCCAAATTTTTCTCTCTCAGATTTGGAAAGTTCTTCATACTACAGCATGAGTC[C>T]AGGAGCAATGAGGAGGTCTTTACCCAGCACATCCTCTACGAGGTAATTTTATTGGCAGCT-3'
Protein context (NP_001128145.1, residues 249-269): LESSSYYSMS[Pro259Leu]GAMRRSLPST